The following is an entry in ClinVar:

ClinVar aggregate classification (germline): Conflicting classifications of pathogenicity. Review status: criteria provided, conflicting classifications (1 of 4 stars). 5 submissions from 5 submitters: Uncertain significance (2); Likely benign (2). 1 of the submissions does not count toward it. Last evaluated 2023-05-12.

Conditions:
CCDC88C-related disorder. Also called: CCDC88C-related condition; CCDC88C-Related Disorders.
Hydrocephalus, nonsyndromic, autosomal recessive 1 (HYC1). Also called: Hydrocephalus, nonsyndromic, autosomal recessive; Congenital hydrocephalus 1. Identifiers: Orphanet 2185, MedGen C3887608, MONDO:0009360, OMIM 236600.
Spinocerebellar ataxia type 40. Identifiers: Orphanet 423275, MedGen C4518336, MONDO:0014475, OMIM 616053.
Inborn genetic diseases. Identifiers: MedGen C0950123, MeSH D030342.

Allele frequency attached by ClinVar (database versions not stated): 1000 Genomes Project 0.00020; gnomAD exomes 0.00024 and 0.00037; ExAC 0.00029; 1000 Genomes Project 30x 0.00031; gnomAD 0.00074 and 0.00081; TOPMed 0.00079; ESP Exome Variant Server 0.00112.
gnomAD v4.1: 638 of 1,607,284 alleles (0.04%); highest among the groups gnomAD compares: African/African-American, 0.18%; 2 homozygotes.

Submissions (5):

GeneDx
Classification: Uncertain significance. Last evaluated: 2023-05-12. Review status: criteria provided, single submitter. Criteria: GeneDx Variant Classification Process June 2021. Collection method: clinical testing. Allele origin: germline. Affected: yes.
Comment: In silico analysis supports that this missense variant does not alter protein structure/function; Has not been previously published as pathogenic or benign to our knowledge

Ambry Genetics
Classification: Likely benign for Inborn genetic diseases. Last evaluated: 2021-12-03. Review status: criteria provided, single submitter. Criteria: Ambry Variant Classification Scheme 2023. Collection method: clinical testing. Allele origin: germline.

Athena Diagnostics
Classification: Likely benign. Last evaluated: 2019-01-17. Review status: criteria provided, single submitter. Criteria: Athena Diagnostics criteria. Collection method: clinical testing. Allele origin: unknown.

Fulgent Genetics
Classification: Uncertain significance for Hydrocephalus, nonsyndromic, autosomal recessive 1; Spinocerebellar ataxia type 40. Last evaluated: 2018-10-31. Review status: criteria provided, single submitter. Criteria: ACMG Guidelines, 2015. Collection method: clinical testing. Allele origin: unknown.

PreventionGenetics, part of Exact Sciences
Classification: Likely benign for CCDC88C-related condition. Last evaluated: 2022-04-23. Review status: no assertion criteria provided. Collection method: clinical testing. Allele origin: germline. Not counted in ClinVar's aggregate classification.
Comment: This variant is classified as likely benign based on ACMG/AMP sequence variant interpretation guidelines (Richards et al. 2015 PMID: 25741868, with internal and published modifications).

NM_001080414.4(CCDC88C):c.2393C>T (p.Ala798Val)

Gene: CCDC88C (coiled-coil and HOOK domain protein 88C; minus strand). Cytogenetic location: 14q32.11.
Variant type: single nucleotide variant.
Coding change: c.2393C>T on transcript NM_001080414.4 (MANE Select); coding-DNA position 2393, C replaced by T.
Protein change: p.Ala798Val; replaces alanine 798 with valine.
Molecular consequence: missense variant.
Genome position (GRCh38, 1-based): chr14:91,313,423, G>A on the plus strand (C>T on the coding strand, the complement: CCDC88C is on the minus strand). VCF-style: chr14-91313423-G-A. GRCh37 (hg19) VCF-style: chr14-91779767-G-A.
Other names: c.2393C>T (NM_001080414.3); short protein forms A798V.
Identifiers: ClinVar variation 447015 (VCV000447015.9), dbSNP rs200650758, ClinGen allele CA7309671.